The following is an entry in ClinVar:

ClinVar aggregate classification (germline): Uncertain significance (1 of 4 stars; one submission).

Submission:

Labcorp Genetics (formerly Invitae), Labcorp
Classification: Uncertain significance. Last evaluated: 2021-06-02. Review status: criteria provided, single submitter. Criteria: Invitae Variant Classification Sherloc (09022015). Collection method: clinical testing. Allele origin: germline.
Comment: This sequence change replaces tyrosine with serine at codon 821 of the EPHB4 protein (p.Tyr821Ser). The tyrosine residue is highly conserved and there is a large physicochemical difference between tyrosine and serine. This variant is not present in population databases (ExAC no frequency). This variant has not been reported in the literature in individuals with EPHB4-related conditions. Algorithms developed to predict the effect of missense changes on protein structure and function (SIFT, PolyPhen-2, Align-GVGD) all suggest that this variant is likely to be disruptive, but these predictions have not been confirmed by published functional studies and their clinical significance is uncertain. In summary, the available evidence is currently insufficient to determine the role of this variant in disease. Therefore, it has been classified as a Variant of Uncertain Significance.

NM_004444.5(EPHB4):c.2462A>C (p.Tyr821Ser)

Genes: EPHB4 (EPH receptor B4; minus strand), LOC126860124 (CDK7 strongly-dependent group 2 enhancer GRCh37_chr7:100403701-100404900; plus strand). Cytogenetic location: 7q22.1.
Variant type: single nucleotide variant.
Coding change: c.2462A>C on transcript NM_004444.5 (MANE Select); coding-DNA position 2462, A replaced by C.
Protein change: p.Tyr821Ser; replaces tyrosine 821 with serine.
Molecular consequence: missense variant.
Genome position (GRCh38, 1-based): chr7:100,806,442, T>G on the plus strand (A>C on the coding strand, the complement: EPHB4 is on the minus strand). VCF-style: chr7-100806442-T-G. GRCh37 (hg19) VCF-style: chr7-100404064-T-G.
Other names: short protein forms Y821S.
Identifiers: ClinVar variation 1420166 (VCV001420166.8), dbSNP rs2116416511, ClinGen allele CA368567447.
Genomic context (GRCh38, chr7:100,806,442, plus strand): 5'-CACTCGAGGAAAGCTTGGTAGGACCACGGGACACTTACGTCCTGATTGCTCATGTCCCAG[T>G]ACGGCCTCTCCCCAAATGACATCACCTCCCACATCACAATCCCGTAACTCCAGGCATCAC-3'
Protein context (NP_004435.3, residues 811-831): WEVMSFGERP[Tyr821Ser]WDMSNQDVIN